The following is an entry in ClinVar:

ClinVar aggregate classification (germline): Pathogenic (1 of 4 stars; one submission).

Conditions:
Hereditary spastic paraplegia 4. Also called: Spastic paraplegia 4, autosomal dominant; Spastic Paraplegia 4; Familial spastic paraplegia autosomal dominant 2. Identifiers: Orphanet 100985, MedGen C1866855, MONDO:0008438, OMIM 182601.

Submission:

Labcorp Genetics (formerly Invitae), Labcorp
Classification: Pathogenic for Hereditary spastic paraplegia 4. Last evaluated: 2024-06-04. Review status: criteria provided, single submitter. Criteria: Invitae Variant Classification Sherloc (09022015). Collection method: clinical testing. Allele origin: germline.
Comment: This sequence change creates a premature translational stop signal (p.Leu447Phefs*3) in the SPAST gene. It is expected to result in an absent or disrupted protein product. Loss-of-function variants in SPAST are known to be pathogenic (PMID: 20932283). This variant is not present in population databases (gnomAD no frequency). This variant has not been reported in the literature in individuals affected with SPAST-related conditions. For these reasons, this variant has been classified as Pathogenic.

Literature cited by the submitters: PubMed 20932283.

NM_014946.4(SPAST):c.1340dup (p.Leu447fs)

Gene: SPAST (spastin; plus strand). Cytogenetic location: 2p22.3.
Variant type: Duplication.
Coding change: c.1340dup on transcript NM_014946.4 (MANE Select); coding-DNA position 1340, one base duplicated (T; older notation c.1340dupT).
Protein change: p.Leu447fs; shifts the reading frame from leucine 447.
Molecular consequence: frameshift variant.
Genome position (GRCh38, 1-based): chr2:32,136,895, T duplicated; the last of 4 consecutive T bases (chr2:32,136,892-32,136,895); duplicating any one gives the same sequence. VCF-style (leftmost placement, unchanged base first): chr2-32136891-C-CT. GRCh37 (hg19) VCF-style: chr2-32361960-C-CT.
Other names: c.1337dup, p.Leu446fs (NM_001363823.2); c.1241dup, p.Leu414fs (NM_001363875.2); c.1244dup, p.Leu415fs (NM_001377959.1, NM_199436.2); short protein forms L446fs, L415fs, L447fs, L414fs.
Identifiers: ClinVar variation 3655508 (VCV003655508.2).